The following is an entry in ClinVar:

NM_001008537.3(NEXMIF):c.422del (p.Gln141fs)

Gene: NEXMIF (neurite extension and migration factor; minus strand). Cytogenetic location: Xq13.3.
Variant type: Deletion.
Coding change: c.422del on transcript NM_001008537.3 (MANE Select); coding-DNA position 422, one base deleted (A; older notation c.422delA).
Protein change: p.Gln141fs; shifts the reading frame from glutamine 141.
Molecular consequence: frameshift variant.
Genome position (GRCh38, 1-based): chrX:74,744,135, T deleted on the plus strand (A on the coding strand, the reverse complement: NEXMIF is on the minus strand). VCF-style (leftmost placement, unchanged base first): chrX-74744134-CT-C. GRCh37 (hg19) VCF-style: chrX-73963969-CT-C.
Other names: short protein forms Q141fs.
Identifiers: ClinVar variation 242319 (VCV000242319.5), dbSNP rs878854418, ClinGen allele CA10583975.

ClinVar aggregate classification (germline): Pathogenic. Review status: criteria provided, multiple submitters, no conflicts (2 of 4 stars). 2 submissions from 2 submitters: Pathogenic (2). Last evaluated 2023-07-16.

Submissions (2):

Labcorp Genetics (formerly Invitae), Labcorp
Classification: Pathogenic. Last evaluated: 2023-07-16. Review status: criteria provided, single submitter. Criteria: Invitae Variant Classification Sherloc (09022015). Collection method: clinical testing. Allele origin: germline.
Comment: For these reasons, this variant has been classified as Pathogenic. ClinVar contains an entry for this variant (Variation ID: 242319). This premature translational stop signal has been observed in individual(s) with intellectual disability (PMID: 27568816). In at least one individual the variant was observed to be de novo. This variant is not present in population databases (gnomAD no frequency). This sequence change creates a premature translational stop signal (p.Gln141Argfs*7) in the NEXMIF gene. It is expected to result in an absent or disrupted protein product. Loss-of-function variants in NEXMIF are known to be pathogenic (PMID: 23615299).

GeneDx
Classification: Pathogenic. Last evaluated: 2016-06-15. Review status: criteria provided, single submitter. Criteria: GeneDx Variant Classification (06012015). Collection method: clinical testing. Allele origin: germline. Affected: yes.
Comment: The c.422delA variant in the KIAA2022 gene has been observed in internal GeneDx whole exome sequencing data in association with seizures, hypotonia, intellectual disability, global developmental delay, autistic features, strabismus, gastroesophageal reflux, microcephaly, ataxic gait, and dysmorphic features. The c.422delA variant causes a frameshift starting with codon Glutamine 141, changes this amino acid to an Arginine residue and creates a premature Stop codon at position 7 of the new reading frame, denoted p.Gln141ArgfsX7. This variant is predicted to cause loss of normal protein function either through protein truncation or nonsense-mediated mRNA decay. The c.422delA variant was not observed in approximately 6,500 individuals of European and African American ancestry in the NHLBI Exome Sequencing Project, indicating it is not a common benign variant in these populations. We interpret c.422delA as a pathogenic variant.

Literature cited by the submitters: PubMed 27568816 (cited by Labcorp Genetics (formerly Invitae), Labcorp); PubMed 23615299 (cited by Labcorp Genetics (formerly Invitae), Labcorp).